The following is an entry in ClinVar:

ClinVar aggregate classification (germline): Uncertain significance (1 of 4 stars; one submission).

gnomAD v4.1: 1 of 1,613,782 alleles (0.000062%); highest among the groups gnomAD compares: Non-Finnish European, 0.000085%; no homozygotes.

Submission:

Ambry Genetics
Classification: Uncertain significance. Last evaluated: 2024-03-25. Review status: criteria provided, single submitter. Criteria: Ambry Variant Classification Scheme 2023. Collection method: clinical testing. Allele origin: germline.
Comment: The p.P1798L variant (also known as c.5393C>T), located in coding exon 5 of the ALPK2 gene, results from a C to T substitution at nucleotide position 5393. The proline at codon 1798 is replaced by leucine, an amino acid with similar properties. This amino acid position is conserved. In addition, this alteration is predicted to be tolerated by in silico analysis. Based on the available evidence, the clinical significance of this alteration remains unclear.

NM_052947.4(ALPK2):c.5393C>T (p.Pro1798Leu)

Gene: ALPK2 (alpha kinase 2; minus strand). Cytogenetic location: 18q21.31.
Variant type: single nucleotide variant.
Coding change: c.5393C>T on transcript NM_052947.4 (MANE Select); coding-DNA position 5393, C replaced by T.
Protein change: p.Pro1798Leu; replaces proline 1798 with leucine.
Molecular consequence: missense variant.
Genome position (GRCh38, 1-based): chr18:58,529,199, G>A on the plus strand (C>T on the coding strand, the complement: ALPK2 is on the minus strand). VCF-style: chr18-58529199-G-A. GRCh37 (hg19) VCF-style: chr18-56196431-G-A.
Other names: short protein forms P1798L.
Identifiers: ClinVar variation 3289120 (VCV003289120.1).